The following is an entry in ClinVar:

ClinVar aggregate classification (germline): Conflicting classifications of pathogenicity. Review status: criteria provided, conflicting classifications (1 of 4 stars). 6 submissions from 6 submitters: Uncertain significance (5); Likely benign (1). Last evaluated 2026-05-10.

Conditions:
Osteogenesis imperfecta type I (OI1). Also called: Classic Non-deforming Osteogenesis Imperfecta with Blue Sclerae; OI, TYPE I; OSTEOGENESIS IMPERFECTA TARDA; OSTEOGENESIS IMPERFECTA WITH BLUE SCLERAE; Osteogenesis imperfecta type 1; Lobstein's Disease. Identifiers: Orphanet 216796, Orphanet 666, MedGen C0023931, MONDO:0008146, OMIM 166200. Disease mechanism: loss of function.
COL1A1-related disorder. Also called: COL1A1- related disease; COL1A1-related condition.
Cardiovascular phenotype. Identifiers: MedGen CN230736.
Ehlers-Danlos syndrome (EDS). Identifiers: Orphanet 98249, MedGen C0013720, MONDO:0020066.

Allele frequency attached by ClinVar (database versions not stated): TOPMed 0.00004; 1000 Genomes Project 30x 0.00047; 1000 Genomes Project 0.00060.
gnomAD v4.1: 75 of 1,613,042 alleles (0.0046%); highest among the groups gnomAD compares: East Asian, 0.029%; no homozygotes.

Submissions (6):

GeneDx
Classification: Uncertain significance. Last evaluated: 2026-05-10. Review status: criteria provided, single submitter. Criteria: GeneDx Variant Classification Process June 2021. Collection method: clinical testing. Allele origin: germline.
Comment: Identified in patients with osteogenesis imperfecta (OI) or aortic dissection in published literature (PMID: 34422331, 27519266, 32166892); In silico analysis suggests that this missense variant does not alter protein structure/function; Occurs in the triple helical domain at the X position in the canonical Gly-X-Y repeat; although this variant may have an effect on normal protein folding and function, missense substitution at the X position is not a common mechanism of disease (HGMD); This variant is associated with the following publications: (PMID: 34426522, 27519266, 34422331, 32166892)

PreventionGenetics, part of Exact Sciences
Classification: Uncertain significance for COL1A1-related condition. Last evaluated: 2026-04-10. Review status: criteria provided, single submitter. Criteria: ACMG Guidelines, 2015. Collection method: clinical testing. Allele origin: germline.
Comment: The COL1A1 c.2005G>A variant is predicted to result in the amino acid substitution p.Ala669Thr. This variant has been reported in 3 Vietnamese individuals with osteogenesis imperfecta but one of them also carried a pathogenic COL1A1 p.Gly821Ser variant (LOVD individual #00321682; Ho Duy et al. 2016. PubMed ID: 27519266; Zhytnik et al. 2020. PubMed ID: 32166892). This variant is reported in 0.038% of alleles in individuals of East Asian descent in gnomAD v2 (as displayed in the table above). It is present in 75 individuals in gnomAD v4 (available only on GRCh38). This population data is not consistent with this variant being a primary cause of disease. Although we suspect that this variant may be benign, the clinical significance of this variant is classified as uncertain at this time due to insufficient functional and genetic evidence.

Labcorp Genetics (formerly Invitae), Labcorp
Classification: Likely benign for Osteogenesis imperfecta type I. Last evaluated: 2025-09-22. Review status: criteria provided, single submitter. Criteria: Invitae Variant Classification Sherloc (09022015). Collection method: clinical testing. Allele origin: germline.

Ambry Genetics
Classification: Uncertain significance for Cardiovascular phenotype. Last evaluated: 2024-09-03. Review status: criteria provided, single submitter. Criteria: Ambry Variant Classification Scheme 2023. Collection method: clinical testing. Allele origin: germline.
Comment: The p.A669T variant (also known as c.2005G>A), located in coding exon 30 of the COL1A1 gene, results from a G to A substitution at nucleotide position 2005. The alanine at codon 669 is replaced by threonine, an amino acid with similar properties. This alteration has been reported in a thoracic aortic aneurysm and dissection (TAAD) cohort, a osteogenesis imperfecta cohort and a whole exome sequencing cohort (Ho Duy B et al. Hum Genomics, 2016 08;10:27; Chen ZR et al. J Thorac Dis, 2021 Jul;13:4008-4022; Kars ME et al. Proc Natl Acad Sci U S A, 2021 09;118:). This amino acid position is not well conserved in available vertebrate species. In addition, the in silico prediction for this alteration is inconclusive. Since supporting evidence is limited at this time, the clinical significance of this alteration remains unclear.

Genome Diagnostics Laboratory, The Hospital for Sick Children
Classification: Uncertain significance for Ehlers-Danlos syndrome. Last evaluated: 2020-03-30. Review status: criteria provided, single submitter. Criteria: ACMG Guidelines, 2015. Collection method: clinical testing. Allele origin: germline.

Revvity Omics, Revvity
Classification: Uncertain significance. Last evaluated: 2019-02-21. Review status: criteria provided, single submitter. Criteria: ACMG Guidelines, 2015. Collection method: clinical testing. Allele origin: germline.

Literature cited by the submitters: PubMed 27519266 (cited by Ambry Genetics); PubMed 32166892 (cited by Ambry Genetics); PubMed 34422331 (cited by Ambry Genetics); PubMed 34426522 (cited by Ambry Genetics).

NM_000088.4(COL1A1):c.2005G>A (p.Ala669Thr)

Gene: COL1A1 (collagen type I alpha 1 chain; minus strand). Cytogenetic location: 17q21.33.
Variant type: single nucleotide variant.
Coding change: c.2005G>A on transcript NM_000088.4 (MANE Select); coding-DNA position 2005, G replaced by A.
Protein change: p.Ala669Thr; replaces alanine 669 with threonine.
Molecular consequence: missense variant.
Genome position (GRCh38, 1-based): chr17:50,192,003, C>T on the plus strand (G>A on the coding strand, the complement: COL1A1 is on the minus strand). VCF-style: chr17-50192003-C-T. GRCh37 (hg19) VCF-style: chr17-48269364-C-T.
Other names: short protein forms A669T.
Identifiers: ClinVar variation 1022065 (VCV001022065.21), dbSNP rs563598815, ClinGen allele CA8644967.